The following is an entry in ClinVar:

ClinVar aggregate classification (germline): Uncertain significance (1 of 4 stars; one submission).

Submission:

CeGaT Center for Human Genetics Tuebingen
Classification: Uncertain significance. Last evaluated: 2026-07-01. Review status: criteria provided, single submitter. Criteria: CeGaT Center For Human Genetics Tuebingen Variant Classification Criteria Version 2. Collection method: clinical testing. Allele origin: germline. Affected: yes. Observed: 1 variant allele.
Comment: ENO3: PM2:Supporting, BP4

NM_053013.4(ENO3):c.717G>A (p.Lys239=)

Gene: ENO3 (enolase 3; plus strand). Cytogenetic location: 17p13.2.
Variant type: single nucleotide variant.
Coding change: c.717G>A on transcript NM_053013.4 (MANE Select); coding-DNA position 717, G replaced by A.
Protein change: p.Lys239=; no amino-acid change (lysine 239 retained).
Molecular consequence: synonymous variant.
Genome position (GRCh38, 1-based): chr17:4,955,456, G>A. VCF-style: chr17-4955456-G-A. GRCh37 (hg19) VCF-style: chr17-4858751-G-A.
Other names: c.588G>A, p.Lys196= (NM_001193503.2); c.717G>A, p.Lys239= (NM_001374523.1, NM_001976.5); c.744G>A, p.Lys248= (NM_001374524.1).
Identifiers: ClinVar variation 5040127 (VCV005040127.1).